The following is an entry in ClinVar:

ClinVar aggregate classification (germline): Uncertain significance (1 of 4 stars; one submission).

Conditions:
Succinate-semialdehyde dehydrogenase deficiency (SSADHD). Also called: 4-HYDROXYBUTYRIC ACIDURIA; Succinic Semialdehyde Dehydrogenase Deficiency; GABA METABOLIC DEFECT; SSADH DEFICIENCY. Identifiers: Orphanet 22, MedGen C0268631, MONDO:0010083, OMIM 271980.

Submission:

Labcorp Genetics (formerly Invitae), Labcorp
Classification: Uncertain significance for Succinate-semialdehyde dehydrogenase deficiency. Last evaluated: 2022-06-10. Review status: criteria provided, single submitter. Criteria: Invitae Variant Classification Sherloc (09022015). Collection method: clinical testing. Allele origin: germline.
Comment: In summary, the available evidence is currently insufficient to determine the role of this variant in disease. Therefore, it has been classified as a Variant of Uncertain Significance. Advanced modeling of protein sequence and biophysical properties (such as structural, functional, and spatial information, amino acid conservation, physicochemical variation, residue mobility, and thermodynamic stability) performed at Invitae indicates that this missense variant is expected to disrupt ALDH5A1 protein function. This variant has not been reported in the literature in individuals affected with ALDH5A1-related conditions. This variant is not present in population databases (gnomAD no frequency). This sequence change replaces arginine, which is basic and polar, with proline, which is neutral and non-polar, at codon 173 of the ALDH5A1 protein (p.Arg173Pro).

NM_001080.3(ALDH5A1):c.518G>C (p.Arg173Pro)

Gene: ALDH5A1 (aldehyde dehydrogenase 5 family member A1; plus strand). Cytogenetic location: 6p22.3.
Variant type: single nucleotide variant.
Coding change: c.518G>C on transcript NM_001080.3 (MANE Select); coding-DNA position 518, G replaced by C.
Protein change: p.Arg173Pro; replaces arginine 173 with proline.
Molecular consequence: missense variant.
Genome position (GRCh38, 1-based): chr6:24,503,342, G>C. VCF-style: chr6-24503342-G-C. GRCh37 (hg19) VCF-style: chr6-24503570-G-C.
Other names: c.518G>C, p.Arg173Pro (NM_001368954.1, NM_170740.1); short protein forms R173P.
Identifiers: ClinVar variation 2004460 (VCV002004460.4), dbSNP rs369366567, ClinGen allele CA362969559.